The following is an entry in ClinVar:

ClinVar aggregate classification (germline): Uncertain significance. Review status: criteria provided, multiple submitters, no conflicts (2 of 4 stars). 2 submissions from 2 submitters: Uncertain significance (2). Last evaluated 2026-07-06.

Conditions:
Deafness-lymphedema-leukemia syndrome. Also called: Emberger syndrome; Lymphedema, primary, with myelodysplasia. Identifiers: Orphanet 3226, MedGen C3279664, MONDO:0013540, OMIM 614038.
Monocytopenia with susceptibility to infections. Also called: MONOCYTOPENIA AND MYCOBACTERIAL INFECTION SYNDROME; MONOCYTOPENIA WITH SUSCEPTIBILITY TO MYCOBACTERIAL, FUNGAL, AND PAPILLOMAVIRUS INFECTIONS AND MYELODYSPLASIA; COMBINED IMMUNODEFICIENCY WITH SUSCEPTIBILITY TO MYCOBACTERIAL, VIRAL, AND FUNGAL INFECTIONS; Dendritic cell, monocyte, B lymphocyte, and natural killer lymphocyte deficiency; GATA2 DEFICIENCY; IMMUNODEFICIENCY 21. Identifiers: Orphanet 228423, MedGen C3280030, MONDO:0013607, OMIM 614172.
Inborn genetic diseases. Identifiers: MedGen C0950123, MeSH D030342.

Allele frequency attached by ClinVar (database versions not stated): gnomAD exomes below 0.00001.
gnomAD v4.1: 1 of 1,613,496 alleles (0.000062%); no homozygotes.

Submissions (2):

Ambry Genetics
Classification: Uncertain significance for Inborn genetic diseases. Last evaluated: 2026-07-06. Review status: criteria provided, single submitter. Criteria: Ambry Variant Classification Scheme 2023. Collection method: clinical testing. Allele origin: germline.
Comment: The p.R293W variant (also known as c.877C>T), located in coding exon 3 of the GATA2 gene, results from a C to T substitution at nucleotide position 877. The arginine at codon 293 is replaced by tryptophan, an amino acid with dissimilar properties. This amino acid position is conserved. In addition, this alteration is predicted to be deleterious by in silico analysis. Based on the available evidence, the clinical significance of this variant remains unclear.

Labcorp Genetics (formerly Invitae), Labcorp
Classification: Uncertain significance for Monocytopenia with susceptibility to infections; Deafness-lymphedema-leukemia syndrome. Last evaluated: 2023-12-27. Review status: criteria provided, single submitter. Criteria: Invitae Variant Classification Sherloc (09022015). Collection method: clinical testing. Allele origin: germline.
Comment: This sequence change replaces arginine, which is basic and polar, with tryptophan, which is neutral and slightly polar, at codon 293 of the GATA2 protein (p.Arg293Trp). This variant is not present in population databases (gnomAD no frequency). This variant has not been reported in the literature in individuals affected with GATA2-related conditions. Advanced modeling of protein sequence and biophysical properties (such as structural, functional, and spatial information, amino acid conservation, physicochemical variation, residue mobility, and thermodynamic stability) performed at Invitae indicates that this missense variant is expected to disrupt GATA2 protein function with a positive predictive value of 80%. In summary, the available evidence is currently insufficient to determine the role of this variant in disease. Therefore, it has been classified as a Variant of Uncertain Significance.

NM_032638.5(GATA2):c.877C>T (p.Arg293Trp)

Gene: GATA2 (GATA binding protein 2; minus strand). Cytogenetic location: 3q21.3.
Variant type: single nucleotide variant.
Coding change: c.877C>T on transcript NM_032638.5 (MANE Select); coding-DNA position 877, C replaced by T.
Protein change: p.Arg293Trp; replaces arginine 293 with tryptophan.
Molecular consequence: missense variant.
Genome position (GRCh38, 1-based): chr3:128,484,000, G>A on the plus strand (C>T on the coding strand, the complement: GATA2 is on the minus strand). VCF-style: chr3-128484000-G-A. GRCh37 (hg19) VCF-style: chr3-128202843-G-A.
Other names: c.877C>T, p.Arg293Trp (NM_001145661.2, NM_001145662.1); short protein forms R293W.
Identifiers: ClinVar variation 2936170 (VCV002936170.4), dbSNP rs2068663044, ClinGen allele CA354404980.